The following is an entry in ClinVar:

ClinVar aggregate classification (germline): Uncertain significance (1 of 4 stars; one submission).

Conditions:
Growth hormone insensitivity with immune dysregulation 1, autosomal recessive. Also called: LARON SYNDROME DUE TO POSTRECEPTOR DEFECT; Laron syndrome with immunodeficiency; GROWTH HORMONE INSENSITIVITY DUE TO POSTRECEPTOR DEFECT; GROWTH HORMONE INSENSITIVITY SYNDROME WITH IMMUNE DYSREGULATION 1, AUTOSOMAL RECESSIVE. Identifiers: Orphanet 220465, MedGen C5435698, MONDO:0100211, OMIM 245590.

Allele frequency attached by ClinVar (database versions not stated): gnomAD exomes below 0.00001.
gnomAD v4.1: 4 of 1,614,236 alleles (0.00025%); highest among the groups gnomAD compares: Non-Finnish European, 0.00034%; no homozygotes.

Submission:

Labcorp Genetics (formerly Invitae), Labcorp
Classification: Uncertain significance for Growth hormone insensitivity with immune dysregulation 1, autosomal recessive. Last evaluated: 2022-07-03. Review status: criteria provided, single submitter. Criteria: Invitae Variant Classification Sherloc (09022015). Collection method: clinical testing. Allele origin: germline.
Comment: This variant has not been reported in the literature in individuals affected with STAT5B-related conditions. In summary, the available evidence is currently insufficient to determine the role of this variant in disease. Therefore, it has been classified as a Variant of Uncertain Significance. Algorithms developed to predict the effect of missense changes on protein structure and function output the following: SIFT: "Tolerated"; PolyPhen-2: "Benign"; Align-GVGD: "Class C0". The isoleucine amino acid residue is found in multiple mammalian species, which suggests that this missense change does not adversely affect protein function. This variant is not present in population databases (gnomAD no frequency). This sequence change replaces methionine, which is neutral and non-polar, with isoleucine, which is neutral and non-polar, at codon 742 of the STAT5B protein (p.Met742Ile).

NM_012448.4(STAT5B):c.2226G>A (p.Met742Ile)

Gene: STAT5B (signal transducer and activator of transcription 5B; minus strand). Cytogenetic location: 17q21.2.
Variant type: single nucleotide variant.
Coding change: c.2226G>A on transcript NM_012448.4 (MANE Select); coding-DNA position 2226, G replaced by A.
Protein change: p.Met742Ile; replaces methionine 742 with isoleucine.
Molecular consequence: missense variant.
Genome position (GRCh38, 1-based): chr17:42,202,351, C>T on the plus strand (G>A on the coding strand, the complement: STAT5B is on the minus strand). VCF-style: chr17-42202351-C-T. GRCh37 (hg19) VCF-style: chr17-40354369-C-T.
Other names: short protein forms M742I.
Identifiers: ClinVar variation 2088641 (VCV002088641.4), dbSNP rs2508697526, ClinGen allele CA399573152.